The following is an entry in ClinVar:

ClinVar aggregate classification (germline): Uncertain significance (1 of 4 stars; one submission).

Allele frequency attached by ClinVar (database versions not stated): ExAC 0.00002; gnomAD exomes 0.00004; gnomAD 0.00008 and 0.00009; TOPMed 0.00008.
gnomAD v4.1: 38 of 1,612,882 alleles (0.0024%); highest among the groups gnomAD compares: African/African-American, 0.016%; no homozygotes.

Submission:

Labcorp Genetics (formerly Invitae), Labcorp
Classification: Uncertain significance. Last evaluated: 2025-01-15. Review status: criteria provided, single submitter. Criteria: Invitae Variant Classification Sherloc (09022015). Collection method: clinical testing. Allele origin: germline.
Comment: This sequence change replaces arginine, which is basic and polar, with tryptophan, which is neutral and slightly polar, at codon 1516 of the HMCN1 protein (p.Arg1516Trp). This variant is present in population databases (rs764000303, gnomAD 0.02%). This variant has not been reported in the literature in individuals affected with HMCN1-related conditions. ClinVar contains an entry for this variant (Variation ID: 1400701). An algorithm developed to predict the effect of missense changes on protein structure and function (PolyPhen-2) suggests that this variant is likely to be disruptive. In summary, the available evidence is currently insufficient to determine the role of this variant in disease. Therefore, it has been classified as a Variant of Uncertain Significance.

NM_031935.3(HMCN1):c.4546C>T (p.Arg1516Trp)

Gene: HMCN1 (hemicentin 1; plus strand). Cytogenetic location: 1q31.1.
Variant type: single nucleotide variant.
Coding change: c.4546C>T on transcript NM_031935.3 (MANE Select); coding-DNA position 4546, C replaced by T.
Protein change: p.Arg1516Trp; replaces arginine 1516 with tryptophan.
Molecular consequence: missense variant.
Genome position (GRCh38, 1-based): chr1:186,007,198, C>T. VCF-style: chr1-186007198-C-T. GRCh37 (hg19) VCF-style: chr1-185976330-C-T.
Other names: short protein forms R1516W.
Identifiers: ClinVar variation 1400701 (VCV001400701.7), dbSNP rs764000303, ClinGen allele CA1292045.